The following is an entry in ClinVar:

ClinVar aggregate classification (germline): Uncertain significance (1 of 4 stars; one submission).

Conditions:
Catecholaminergic polymorphic ventricular tachycardia 1. Also called: RYR2-Related Catecholaminergic Polymorphic Ventricular Tachycardia; VENTRICULAR TACHYCARDIA, CATECHOLAMINERGIC POLYMORPHIC, 1, WITH OR WITHOUT ATRIAL DYSFUNCTION AND/OR DILATED CARDIOMYOPATHY; VENTRICULAR TACHYCARDIA, STRESS-INDUCED POLYMORPHIC 1. Identifiers: Orphanet 3286, MedGen C1631597, MONDO:0011484, OMIM 604772.

Submission:

Labcorp Genetics (formerly Invitae), Labcorp
Classification: Uncertain significance for Catecholaminergic polymorphic ventricular tachycardia 1. Last evaluated: 2024-09-27. Review status: criteria provided, single submitter. Criteria: Invitae Variant Classification Sherloc (09022015). Collection method: clinical testing. Allele origin: germline.
Comment: This sequence change replaces methionine, which is neutral and non-polar, with threonine, which is neutral and polar, at codon 1694 of the RYR2 protein (p.Met1694Thr). This variant is not present in population databases (gnomAD no frequency). This variant has not been reported in the literature in individuals affected with RYR2-related conditions. Invitae Evidence Modeling of protein sequence and biophysical properties (such as structural, functional, and spatial information, amino acid conservation, physicochemical variation, residue mobility, and thermodynamic stability) indicates that this missense variant is not expected to disrupt RYR2 protein function with a negative predictive value of 95%. In summary, the available evidence is currently insufficient to determine the role of this variant in disease. Therefore, it has been classified as a Variant of Uncertain Significance.

NM_001035.3(RYR2):c.5081T>C (p.Met1694Thr)

Gene: RYR2 (ryanodine receptor 2; plus strand). Cytogenetic location: 1q43.
Variant type: single nucleotide variant.
Coding change: c.5081T>C on transcript NM_001035.3 (MANE Select); coding-DNA position 5081, T replaced by C.
Protein change: p.Met1694Thr; replaces methionine 1694 with threonine.
Molecular consequence: missense variant.
Genome position (GRCh38, 1-based): chr1:237,614,209, T>C. VCF-style: chr1-237614209-T-C. GRCh37 (hg19) VCF-style: chr1-237777509-T-C.
Other names: short protein forms M1694T.
Identifiers: ClinVar variation 3651177 (VCV003651177.2).